The following is an entry in ClinVar:

ClinVar aggregate classification (germline): Conflicting classifications of pathogenicity. Review status: criteria provided, conflicting classifications (1 of 4 stars). 3 submissions from 3 submitters: Uncertain significance (2); Likely benign (1). Last evaluated 2025-04-10.

Conditions:
Hemoglobin, high altitude adaptation (HALAH). Identifiers: MedGen C1836778, OMIM 609070.
Erythrocytosis, familial, 3 (ECYT3). Identifiers: Orphanet 247511, MedGen C1853286, MONDO:0012353, OMIM 609820.

Allele frequency attached by ClinVar (database versions not stated): gnomAD exomes 0.00001; gnomAD 0.00005; TOPMed 0.00014.
gnomAD v4.1: 20 of 1,309,000 alleles (0.0015%); highest among the groups gnomAD compares: African/African-American, 0.025%; no homozygotes.

Submissions (3):

Ambry Genetics
Classification: Likely benign. Last evaluated: 2025-04-10. Review status: criteria provided, single submitter. Criteria: Ambry Variant Classification Scheme 2023. Collection method: clinical testing. Allele origin: germline.

Labcorp Genetics (formerly Invitae), Labcorp
Classification: Uncertain significance for Erythrocytosis, familial, 3. Last evaluated: 2024-07-21. Review status: criteria provided, single submitter. Criteria: Invitae Variant Classification Sherloc (09022015). Collection method: clinical testing. Allele origin: germline.
Comment: This sequence change replaces lysine, which is basic and polar, with glutamic acid, which is acidic and polar, at codon 109 of the EGLN1 protein (p.Lys109Glu). This variant is present in population databases (no rsID available, gnomAD 0.02%). This variant has not been reported in the literature in individuals affected with EGLN1-related conditions. ClinVar contains an entry for this variant (Variation ID: 1039916). An algorithm developed to predict the effect of missense changes on protein structure and function (PolyPhen-2) suggests that this variant is likely to be tolerated. In summary, the available evidence is currently insufficient to determine the role of this variant in disease. Therefore, it has been classified as a Variant of Uncertain Significance.

Fulgent Genetics
Classification: Uncertain significance for Hemoglobin, high altitude adaptation; Erythrocytosis, familial, 3. Last evaluated: 2024-03-25. Review status: criteria provided, single submitter. Criteria: ACMG Guidelines, 2015. Collection method: clinical testing. Allele origin: germline.

NM_022051.3(EGLN1):c.325A>G (p.Lys109Glu)

Gene: EGLN1 (egl-9 family hypoxia inducible factor 1; minus strand). Cytogenetic location: 1q42.2.
Variant type: single nucleotide variant.
Coding change: c.325A>G on transcript NM_022051.3 (MANE Select); coding-DNA position 325, A replaced by G.
Protein change: p.Lys109Glu; replaces lysine 109 with glutamic acid.
Molecular consequence: missense variant.
Genome position (GRCh38, 1-based): chr1:231,421,564, T>C on the plus strand (A>G on the coding strand, the complement: EGLN1 is on the minus strand). VCF-style: chr1-231421564-T-C. GRCh37 (hg19) VCF-style: chr1-231557310-T-C.
Other names: c.325A>G, p.Lys109Glu (NM_001377260.1, NM_001377261.1); c.325A>G (NM_022051.2); short protein forms K109E.
Identifiers: ClinVar variation 1039916 (VCV001039916.8), dbSNP rs891489163, ClinGen allele CA38948877.